The following is an entry in ClinVar:

NM_004519.4(KCNQ3):c.878G>A (p.Gly293Glu)

Gene: KCNQ3 (potassium voltage-gated channel subfamily Q member 3; minus strand). Cytogenetic location: 8q24.22.
Variant type: single nucleotide variant.
Coding change: c.878G>A on transcript NM_004519.4 (MANE Select); coding-DNA position 878, G replaced by A.
Protein change: p.Gly293Glu; replaces glycine 293 with glutamic acid.
Molecular consequence: missense variant.
Genome position (GRCh38, 1-based): chr8:132,175,508, C>T on the plus strand (G>A on the coding strand, the complement: KCNQ3 is on the minus strand). VCF-style: chr8-132175508-C-T. GRCh37 (hg19) VCF-style: chr8-133187755-C-T.
Other names: c.518G>A, p.Gly173Glu (NM_001204824.2); short protein forms G293E, G173E.
Identifiers: ClinVar variation 421443 (VCV000421443.2), dbSNP rs1064795142, ClinGen allele CA16618601.

ClinVar aggregate classification (germline): Likely pathogenic (1 of 4 stars; one submission).

Allele frequency attached by ClinVar (database versions not stated): gnomAD 0.00001 and 0.00003.
gnomAD v4.1: 4 of 1,614,078 alleles (0.00025%); highest among the groups gnomAD compares: African/African-American, 0.0013%; no homozygotes.

Submission:

GeneDx
Classification: Likely pathogenic. Last evaluated: 2017-03-09. Review status: criteria provided, single submitter. Criteria: GeneDx Variant Classification (06012015). Collection method: clinical testing. Allele origin: germline. Affected: yes.
Comment: The KCNQ3 variant has not been published as a pathogenic variant, nor has it been reported as a benign variant to our knowledge. It was not observed in approximately 6,500 individuals of European and African American ancestry in the NHLBI Exome Sequencing Project, indicating it is not a common benign variant in these populations. The G293E variant is a non-conservative amino acid substitution, which is likely to impact secondary protein structure as these residues differ in polarity, charge, size and/or other properties. This substitution occurs at a position that is conserved in mammals and in silico analysis predicts this variant is probably damaging to the protein structure/function. Therefore, we know interpret G293E as a likely pathogenic variant; however, the possibility that it is benign cannot be excluded.